The following is an entry in ClinVar:

ClinVar aggregate classification (germline): Pathogenic (1 of 4 stars; one submission).

Conditions:
Neurofibromatosis, type 1 (NF1). Also called: Neurofibromatosis, type I; VON RECKLINGHAUSEN DISEASE; Peripheral type neurofibromatosis; NEUROFIBROMATOSIS, TYPE I, SOMATIC. Identifiers: Orphanet 636, MedGen C0027831, MONDO:0018975, OMIM 162200. Disease mechanism: loss of function.

Submission:

Labcorp Genetics (formerly Invitae), Labcorp
Classification: Pathogenic for Neurofibromatosis, type 1. Last evaluated: 2019-02-19. Review status: criteria provided, single submitter. Criteria: Invitae Variant Classification Sherloc (09022015). Collection method: clinical testing. Allele origin: germline.
Comment: For these reasons, this variant has been classified as Pathogenic. Loss-of-function variants in NF1 are known to be pathogenic (PMID: 10712197, 23913538). Algorithms developed to predict the effect of sequence changes on RNA splicing suggest that this variant may create or strengthen a splice site, but this prediction has not been confirmed by published transcriptional studies. This variant has not been reported in the literature in individuals with NF1-related conditions. This variant is not present in population databases (ExAC no frequency). This sequence change creates a premature translational stop signal (p.Asp2504Valfs*11) in the NF1 gene. It is expected to result in an absent or disrupted protein product.

Literature cited by the submitters: PubMed 10712197; PubMed 23913538.

NM_001042492.3(NF1):c.7573_7574insT (p.Asp2525fs)

Gene: NF1 (neurofibromin 1; plus strand). Cytogenetic location: 17q11.2.
Variant type: Insertion.
Coding change: c.7573_7574insT on transcript NM_001042492.3 (MANE Select); coding-DNA positions 7573 to 7574, T inserted.
Protein change: p.Asp2525fs; shifts the reading frame from aspartic acid 2525.
Molecular consequence: frameshift variant.
Genome position: GRCh38 VCF-style: chr17-31352372-G-GT. GRCh37 (hg19) VCF-style: chr17-29679390-G-GT.
Other names: c.7510_7511insT, p.Asp2504Valfs (NM_000267.4); short protein forms D2525fs, D2504fs.
Identifiers: ClinVar variation 855778 (VCV000855778.6), dbSNP rs2070171459, ClinGen allele CA916080676.
Genomic context (GRCh38, chr17:31,352,372, plus strand): 5'-GCAGCCACCTATCCAACTGTCGGCCAGACCAGTCCCCGAGCCAGGAAATCCATGAGCCTG[G>GT]ACATGGGGCAACCTTCTCAGGCCAACACTAAGAAGTTGCTTGGTTAGTTTATCTAAATTA-3'